The following is an entry in ClinVar:

NM_020812.4(DOCK6):c.3137G>A (p.Arg1046His)

Gene: DOCK6 (dedicator of cytokinesis 6; minus strand). Cytogenetic location: 19p13.2.
Variant type: single nucleotide variant.
Coding change: c.3137G>A on transcript NM_020812.4 (MANE Select); coding-DNA position 3137, G replaced by A.
Protein change: p.Arg1046His; replaces arginine 1046 with histidine.
Molecular consequence: missense variant.
Genome position (GRCh38, 1-based): chr19:11,222,838, C>T on the plus strand (G>A on the coding strand, the complement: DOCK6 is on the minus strand). VCF-style: chr19-11222838-C-T. GRCh37 (hg19) VCF-style: chr19-11333514-C-T.
Other names: c.3137G>A (NM_020812.2); c.3242G>A, p.Arg1081His (NM_001367830.1); short protein forms R1046H, R1081H.
Identifiers: ClinVar variation 2093594 (VCV002093594.5), dbSNP rs1303126986, ClinGen allele CA404090215.

ClinVar aggregate classification (germline): Uncertain significance. Review status: criteria provided, multiple submitters, no conflicts (2 of 4 stars). 2 submissions from 2 submitters: Uncertain significance (2). Last evaluated 2025-01-14.

Conditions:
Inborn genetic diseases. Identifiers: MedGen C0950123, MeSH D030342.

Allele frequency attached by ClinVar (database versions not stated): TOPMed below 0.00001; gnomAD 0.00001.
gnomAD v4.1: 12 of 1,600,222 alleles (0.00075%); highest among the groups gnomAD compares: Middle Eastern, 0.033%; no homozygotes.

Submissions (2):

Ambry Genetics
Classification: Uncertain significance for Inborn genetic diseases. Last evaluated: 2025-01-14. Review status: criteria provided, single submitter. Criteria: Ambry Variant Classification Scheme 2023. Collection method: clinical testing. Allele origin: germline.

Labcorp Genetics (formerly Invitae), Labcorp
Classification: Uncertain significance. Last evaluated: 2022-07-25. Review status: criteria provided, single submitter. Criteria: Invitae Variant Classification Sherloc (09022015). Collection method: clinical testing. Allele origin: germline.
Comment: This variant has not been reported in the literature in individuals affected with DOCK6-related conditions. In summary, the available evidence is currently insufficient to determine the role of this variant in disease. Therefore, it has been classified as a Variant of Uncertain Significance. Algorithms developed to predict the effect of missense changes on protein structure and function are either unavailable or do not agree on the potential impact of this missense change (SIFT: "Deleterious"; PolyPhen-2: "Probably Damaging"; Align-GVGD: "Class C0"). This variant is present in population databases (no rsID available, gnomAD 0.06%). This sequence change replaces arginine, which is basic and polar, with histidine, which is basic and polar, at codon 1046 of the DOCK6 protein (p.Arg1046His).